The following is an entry in ClinVar:

NM_018230.3(NUP133):c.343G>C (p.Ala115Pro)

Gene: NUP133 (nucleoporin 133; minus strand). Cytogenetic location: 1q42.13.
Variant type: single nucleotide variant.
Coding change: c.343G>C on transcript NM_018230.3 (MANE Select); coding-DNA position 343, G replaced by C.
Protein change: p.Ala115Pro; replaces alanine 115 with proline.
Molecular consequence: missense variant.
Genome position (GRCh38, 1-based): chr1:229,502,061, C>G on the plus strand (G>C on the coding strand, the complement: NUP133 is on the minus strand). VCF-style: chr1-229502061-C-G. GRCh37 (hg19) VCF-style: chr1-229637808-C-G.
Other names: short protein forms A115P.
Identifiers: ClinVar variation 3881670 (VCV003881670.2).

ClinVar aggregate classification (germline): Uncertain significance. Review status: criteria provided, multiple submitters, no conflicts (2 of 4 stars). 2 submissions from 2 submitters: Uncertain significance (2). Last evaluated 2025-05-06.

gnomAD v4.1: 2 of 1,613,958 alleles (0.00012%); highest among the groups gnomAD compares: African/African-American, 0.0027%; no homozygotes.

Submissions (2):

Labcorp Genetics (formerly Invitae), Labcorp
Classification: Uncertain significance. Last evaluated: 2025-05-06. Review status: criteria provided, single submitter. Criteria: Invitae Variant Classification Sherloc (09022015). Collection method: clinical testing. Allele origin: germline.
Comment: This sequence change replaces alanine, which is neutral and non-polar, with proline, which is neutral and non-polar, at codon 115 of the NUP133 protein (p.Ala115Pro). This variant is not present in population databases (gnomAD no frequency). This variant has not been reported in the literature in individuals affected with NUP133-related conditions. An algorithm developed to predict the effect of missense changes on protein structure and function (PolyPhen-2) suggests that this variant is likely to be tolerated. In summary, the available evidence is currently insufficient to determine the role of this variant in disease. Therefore, it has been classified as a Variant of Uncertain Significance.

Ambry Genetics
Classification: Uncertain significance. Last evaluated: 2025-02-25. Review status: criteria provided, single submitter. Criteria: Ambry Variant Classification Scheme 2023. Collection method: clinical testing. Allele origin: germline.